The following is an entry in ClinVar:

NM_004612.4(TGFBR1):c.*3C>A

Gene: TGFBR1 (transforming growth factor beta receptor 1; plus strand). Cytogenetic location: 9q22.33.
Variant type: single nucleotide variant.
Coding change: c.*3C>A on transcript NM_004612.4 (MANE Select); 3 bases downstream of the stop codon, C replaced by A.
Molecular consequence: 3 prime UTR variant. On other transcripts: non-coding transcript variant (4).
Genome position (GRCh38, 1-based): chr9:99,149,308, C>A. VCF-style: chr9-99149308-C-A. GRCh37 (hg19) VCF-style: chr9-101911590-C-A.
Other names: c.*3C>A (NM_001130916.3, NM_001306210.2, NM_001407416.1 and 20 more transcripts).
Identifiers: ClinVar variation 3071034 (VCV003071034.2), dbSNP rs2118860783, ClinGen allele CA2720323648.

ClinVar aggregate classification (germline): Uncertain significance. Review status: criteria provided, multiple submitters, no conflicts (2 of 4 stars). 2 submissions from 2 submitters: Uncertain significance (2). Last evaluated 2024-06-18.

Conditions:
Familial thoracic aortic aneurysm and aortic dissection (TAAD). Also called: Thoracic aortic aneurysms and dissections. Identifiers: Orphanet 91387, MedGen C4707243, MONDO:0019625.
Loeys-Dietz syndrome (LDS). Identifiers: Orphanet 60030, MedGen C2697932, MONDO:0018954.

Submissions (2):

Color Diagnostics, LLC DBA Color Health
Classification: Uncertain significance for Familial thoracic aortic aneurysm and aortic dissection. Last evaluated: 2024-06-18. Review status: criteria provided, single submitter. Criteria: ACMG Guidelines, 2015. Collection method: clinical testing. Allele origin: germline.
Comment: This variant is located in the 3' untranslated region of the TGFBR1 gene. Splice site prediction tools are inconclusive regarding the impact of this variant on RNA splicing. To our knowledge, RNA studies have not been reported for this variant. This variant has not been reported in individuals affected with TGFBR1-related disorders in the literature. This variant has not been identified in the general population by the Genome Aggregation Database (gnomAD). The available evidence is insufficient to determine the role of this variant in disease conclusively. Therefore, this variant is classified as a Variant of Uncertain Significance.

All of Us Research Program, National Institutes of Health
Classification: Uncertain significance for Loeys-Dietz syndrome. Last evaluated: 2023-05-16. Review status: criteria provided, single submitter. Criteria: ACMG Guidelines, 2015. Collection method: clinical testing. Allele origin: germline. Inheritance: Autosomal dominant inheritance. Observed: 1 variant allele, 1 heterozygote.
Comment: This variant is located in the 3' untranslated region of the TGFBR1 protein. To our knowledge, functional studies have not been reported for this variant. This variant has not been reported in individuals affected with TGFBR1-related disorders in the literature. This variant has not been identified in the general population by the Genome Aggregation Database (gnomAD). The available evidence is insufficient to determine the role of this variant in disease conclusively. Therefore, this variant is classified as a Variant of Uncertain Significance.

This study involves interpretation of variants in research participants for the purpose of population health screening. Participant phenotype was not available at the time of variant classification. Additional details can be found in publication PMID: 35346344, PMCID: PMC8962531